The following is an entry in ClinVar:

ClinVar aggregate classification (germline): Uncertain significance. Review status: criteria provided, multiple submitters, no conflicts (2 of 4 stars). 2 submissions from 2 submitters: Uncertain significance (2). Last evaluated 2024-07-01.

Allele frequency attached by ClinVar (database versions not stated): gnomAD exomes below 0.00001 and 0.00001.
gnomAD v4.1: 2 of 1,549,726 alleles (0.00013%); highest among the groups gnomAD compares: Admixed American, 0.002%; no homozygotes.

Submissions (2):

CeGaT Center for Human Genetics Tuebingen
Classification: Uncertain significance. Last evaluated: 2024-07-01. Review status: criteria provided, single submitter. Criteria: CeGaT Center For Human Genetics Tuebingen Variant Classification Criteria Version 2. Collection method: clinical testing. Allele origin: germline. Affected: yes. Observed: 1 variant allele.
Comment: PIEZO1: PM2, BP4

Mayo Clinic Laboratories, Mayo Clinic
Classification: Uncertain significance. Last evaluated: 2021-04-27. Review status: criteria provided, single submitter. Criteria: ACMG Guidelines, 2015. Collection method: clinical testing. Allele origin: germline.

NM_001142864.4(PIEZO1):c.6992A>G (p.Asn2331Ser)

Gene: PIEZO1 (piezo type mechanosensitive ion channel component 1 (Er blood group); minus strand). Cytogenetic location: 16q24.3.
Variant type: single nucleotide variant.
Coding change: c.6992A>G on transcript NM_001142864.4 (MANE Select); coding-DNA position 6992, A replaced by G.
Protein change: p.Asn2331Ser; replaces asparagine 2331 with serine.
Molecular consequence: missense variant.
Genome position (GRCh38, 1-based): chr16:88,716,418, T>C on the plus strand (A>G on the coding strand, the complement: PIEZO1 is on the minus strand). VCF-style: chr16-88716418-T-C. GRCh37 (hg19) VCF-style: chr16-88782826-T-C.
Other names: p.Asn2331Ser; short protein forms N2331S.
Identifiers: ClinVar variation 1693671 (VCV001693671.22), dbSNP rs1386175142, ClinGen allele CA397074669.